The following is an entry in ClinVar:

ClinVar aggregate classification (germline): Uncertain significance (1 of 4 stars; one submission).

Conditions:
Neurodevelopmental disorder with severe motor impairment and absent language. Also called: NEURODEVELOPMENTAL DISORDER WITH VARIABLE MOTOR AND LANGUAGE IMPAIRMENT. Identifiers: Orphanet 647788, MedGen C4540496, MONDO:0060622, OMIM 617804.

Submission:

Victorian Clinical Genetics Services, Murdoch Childrens Research Institute
Classification: Uncertain significance for Neurodevelopmental disorder with severe motor impairment and absent language. Last evaluated: 2023-07-17. Review status: criteria provided, single submitter. Criteria: ACMG Guidelines, 2015. Collection method: clinical testing. Allele origin: germline. Inheritance: Autosomal dominant inheritance. Affected: yes.
Comment: Based on the classification scheme VCGS_Germline_v1.3.4, this variant is classified as VUS-3A. Following criteria are met: 0102 - Loss of function is a known mechanism of disease in this gene and is associated with neurodevelopmental disorder with severe motor impairment and absent language (MIM#617804). (I) 0107 - This gene is associated with autosomal dominant disease. (I) 0200 - Variant is predicted to result in a missense amino acid change from arginine to proline. (I) 0251 - This variant is heterozygous. (I) 0301 - Variant is absent from gnomAD (both v2 and v3). (SP) 0501 - Missense variant consistently predicted to be damaging by multiple in silico tools or highly conserved with a major amino acid change. (SP) 0600 - Variant is located in the annotated DEAD/DEAH box helicase domain (DECIPHER). (I) 0705 - No comparable missense variants have previous evidence for pathogenicity. (I) 0807 - This variant has no previous evidence of pathogenicity. (I) 0905 - No published segregation evidence has been identified for this variant. (I) 1007 - No published functional evidence has been identified for this variant. (I) 1208 - Inheritance information for this variant is not currently available in this individual. (I) Legend: (SP) - Supporting pathogenic, (I) - Information, (SB) - Supporting benign

NM_138615.3(DHX30):c.1397G>C (p.Arg466Pro)

Gene: DHX30 (DExH-box helicase 30; plus strand). Cytogenetic location: 3p21.31.
Variant type: single nucleotide variant.
Coding change: c.1397G>C on transcript NM_138615.3 (MANE Select); coding-DNA position 1397, G replaced by C.
Protein change: p.Arg466Pro; replaces arginine 466 with proline.
Molecular consequence: missense variant.
Genome position (GRCh38, 1-based): chr3:47,846,469, G>C. VCF-style: chr3-47846469-G-C. GRCh37 (hg19) VCF-style: chr3-47887959-G-C.
Other names: c.1313G>C, p.Arg438Pro (NM_001330990.2); c.1280G>C, p.Arg427Pro (NM_014966.4); short protein forms R427P, R438P, R466P.
Identifiers: ClinVar variation 3254749 (VCV003254749.1), dbSNP rs2549292832.